The following is an entry in ClinVar:

NM_001378477.3(NYX):c.103G>A (p.Val35Met)

Gene: NYX (nyctalopin; plus strand). Cytogenetic location: Xp11.4.
Variant type: single nucleotide variant.
Coding change: c.103G>A on transcript NM_001378477.3 (MANE Select); coding-DNA position 103, G replaced by A.
Protein change: p.Val35Met; replaces valine 35 with methionine.
Molecular consequence: missense variant.
Genome position (GRCh38, 1-based): chrX:41,473,571, G>A. VCF-style: chrX-41473571-G-A. GRCh37 (hg19) VCF-style: chrX-41332824-G-A.
Other names: c.103G>A, p.Val35Met (NM_022567.3); short protein forms V35M.
Identifiers: ClinVar variation 1463838 (VCV001463838.6), dbSNP rs2147025262, ClinGen allele CA412989409.
Genomic context (GRCh38, chrX:41,473,571, plus strand): 5'-AGCGCCTGGGCCGTGGGGGCCTGCGCCCGCGCTTGTCCCGCCGCCTGCGCCTGCAGCACC[G>A]TGGAGCGCGGCTGCTCGGTGCGCTGCGACCGCGCGGGCCTCCTGCGGGTGCCGGCCGAGC-3'
Protein context (NP_001365406.2, residues 25-45): ACPAACACST[Val35Met]ERGCSVRCDR

ClinVar aggregate classification (germline): Uncertain significance (1 of 4 stars; one submission).

Allele frequency attached by ClinVar (database versions not stated): gnomAD exomes below 0.00001.
gnomAD v4.1: 2 of 1,011,936 alleles (0.0002%); highest among the groups gnomAD compares: Non-Finnish European, 0.00025%; no homozygotes.

Submission:

Labcorp Genetics (formerly Invitae), Labcorp
Classification: Uncertain significance. Last evaluated: 2021-09-14. Review status: criteria provided, single submitter. Criteria: Invitae Variant Classification Sherloc (09022015). Collection method: clinical testing. Allele origin: germline.
Comment: In summary, the available evidence is currently insufficient to determine the role of this variant in disease. Therefore, it has been classified as a Variant of Uncertain Significance. Algorithms developed to predict the effect of missense changes on protein structure and function output the following: SIFT: "Deleterious"; PolyPhen-2: "Benign"; Align-GVGD: "Class C0". The methionine amino acid residue is found in multiple mammalian species, which suggests that this missense change does not adversely affect protein function. This variant has not been reported in the literature in individuals affected with NYX-related conditions. The frequency data for this variant in the population databases is considered unreliable, as metrics indicate insufficient coverage at this position in the ExAC database. This sequence change replaces valine with methionine at codon 40 of the NYX protein (p.Val40Met). The valine residue is moderately conserved and there is a small physicochemical difference between valine and methionine.